The following is an entry in ClinVar:

NM_000051.4(ATM):c.4237-20T>C

Gene: ATM (ATM serine/threonine kinase; plus strand). Cytogenetic location: 11q22.3.
Variant type: single nucleotide variant.
Coding change: c.4237-20T>C on transcript NM_000051.4 (MANE Select); 20 bases into the intron before coding-DNA position 4237, T replaced by C.
Molecular consequence: intron variant.
Genome position (GRCh38, 1-based): chr11:108,289,582, T>C. VCF-style: chr11-108289582-T-C. GRCh37 (hg19) VCF-style: chr11-108160309-T-C.
Other names: c.4237-20T>C (NM_001351834.2).
Identifiers: ClinVar variation 1633453 (VCV001633453.9), dbSNP rs2135758679, ClinGen allele CA2573146562.

ClinVar aggregate classification (germline): Likely benign. Review status: criteria provided, multiple submitters, no conflicts (2 of 4 stars). 2 submissions from 2 submitters: Likely benign (2). Last evaluated 2025-06-02.

Conditions:
Familial cancer of breast. Also called: Hereditary breast cancer; hereditary breast carcinoma; BREAST CANCER, FAMILIAL. Identifiers: Orphanet 227535, MedGen C0346153, MONDO:0016419, OMIM 114480. Disease mechanism: loss of function.
Ataxia-telangiectasia syndrome (AT). Also called: Ataxia telangiectasia (A-T); Cerebello-oculocutaneous telangiectasia; Immunodeficiency with ataxia telangiectasia; Ataxia-telangiectasia, complementation group D; AT, COMPLEMENTATION GROUP C; LOUIS-BAR SYNDROME. Identifiers: Orphanet 100, MedGen C0004135, MONDO:0008840, OMIM 208900.

Submissions (2):

Labcorp Genetics (formerly Invitae), Labcorp
Classification: Likely benign for Ataxia-telangiectasia syndrome. Last evaluated: 2025-06-02. Review status: criteria provided, single submitter. Criteria: Invitae Variant Classification Sherloc (09022015). Collection method: clinical testing. Allele origin: germline.

Myriad Genetics, Inc.
Classification: Likely benign for Familial cancer of breast. Last evaluated: 2024-05-17. Review status: criteria provided, single submitter. Criteria: Myriad Autosomal Dominant, Autosomal Recessive and X-Linked Classification Criteria (2023). Collection method: clinical testing. Allele origin: unknown.
Comment: This variant is considered likely benign. This variant is intronic and is not expected to impact mRNA splicing.